The following is an entry in ClinVar:

ClinVar aggregate classification (germline): Uncertain significance (1 of 4 stars; one submission).

Conditions:
Inborn genetic diseases. Identifiers: MedGen C0950123, MeSH D030342.

Submission:

Ambry Genetics
Classification: Uncertain significance for Inborn genetic diseases. Last evaluated: 2024-11-05. Review status: criteria provided, single submitter. Criteria: Ambry Variant Classification Scheme 2023. Collection method: clinical testing. Allele origin: germline.
Comment: The p.E2042V variant (also known as c.6125A>T), located in coding exon 42 of the LRRK2 gene, results from an A to T substitution at nucleotide position 6125. The glutamic acid at codon 2042 is replaced by valine, an amino acid with dissimilar properties. This amino acid position is conserved. In addition, this alteration is predicted to be deleterious by in silico analysis. Based on the available evidence, the clinical significance of this variant remains unclear.

NM_198578.4(LRRK2):c.6125A>T (p.Glu2042Val)

Gene: LRRK2 (leucine rich repeat kinase 2; plus strand). Cytogenetic location: 12q12.
Variant type: single nucleotide variant.
Coding change: c.6125A>T on transcript NM_198578.4 (MANE Select); coding-DNA position 6125, A replaced by T.
Protein change: p.Glu2042Val; replaces glutamic acid 2042 with valine.
Molecular consequence: missense variant.
Genome position (GRCh38, 1-based): chr12:40,346,768, A>T. VCF-style: chr12-40346768-A-T. GRCh37 (hg19) VCF-style: chr12-40740570-A-T.
Other names: short protein forms E2042V.
Identifiers: ClinVar variation 3540770 (VCV003540770.1).
Genomic context (GRCh38, chr12:40,346,768, plus strand): 5'-GCCCTGATGTTGGTCATATTTATTATTTTATCTGCTTACTTTCAGGGTTTCGTGCACCTG[A>T]AGTTGCCAGAGGAAATGTCATTTATAACCAACAGGCTGATGTTTATTCATTTGGTTTACT-3'
Protein context (NP_940980.4, residues 2032-2052): SEGTPGFRAP[Glu2042Val]VARGNVIYNQ